The following is an entry in ClinVar:

ClinVar aggregate classification (germline): Likely benign. Review status: criteria provided, multiple submitters, no conflicts (2 of 4 stars). 5 submissions from 5 submitters: Likely benign (5). Last evaluated 2026-01-07.

Conditions:
Cardiovascular phenotype. Identifiers: MedGen CN230736.
Familial hypercholesterolemia. Also called: Familial hypercholesterolemias; Familial hypercholesterolaemia. Identifiers: MedGen C0020445, MONDO:0005439.
Familial hypobetalipoproteinemia 1. Also called: APOB-Related Familial Hypobetalipoproteinemia; Hypobetalipoproteinemia, normotriglyceridemic; Acanthocytosis with hypobetalipoproteinemia. Identifiers: MedGen C4551990, MONDO:0014252, OMIM 615558.
Hypercholesterolemia, autosomal dominant, type B (FHCL2). Also called: Familial Hypercholesterolemia Type B; APOLIPOPROTEIN B-100, FAMILIAL DEFECTIVE; APOLIPOPROTEIN B-100, FAMILIAL LIGAND-DEFECTIVE; Familial hypercholesterolemia 2; APOB-Related Familial Hypercholesterolemia, Autosomal Dominant; HYPERCHOLESTEROLEMIA, FAMILIAL, DUE TO LIGAND-DEFECTIVE APOLIPOPROTEIN B. Identifiers: MedGen C1704417, MONDO:0007751, OMIM 144010.

Allele frequency attached by ClinVar (database versions not stated): ExAC 0.00007; gnomAD 0.00021 and 0.00023; TOPMed 0.00025; ESP Exome Variant Server 0.00038.

Submissions (5):

GENinCode PLC
Classification: Likely benign for Familial hypercholesterolemia. Last evaluated: 2026-01-07. Review status: criteria provided, single submitter. Criteria: ACMG Guidelines, 2015. Collection method: clinical testing. Allele origin: germline.
Comment: This is a synonymous (silent) variant that is not predicted to impact splicing and occurs at a nucleotide which is not highly conserved. This variant has been classified as Likely Benign (BP4, BP7).

Molecular Diagnostic Laboratory for Inherited Cardiovascular Disease, Montreal Heart Institute
Classification: Likely benign. Last evaluated: 2025-04-09. Review status: criteria provided, single submitter. Criteria: ACMG Guidelines, 2015. Collection method: clinical testing. Allele origin: germline. Affected: no.
Comment: BP6;BP7

Labcorp Genetics (formerly Invitae), Labcorp
Classification: Likely benign for Familial hypobetalipoproteinemia 1; Hypercholesterolemia, autosomal dominant, type B. Last evaluated: 2024-03-21. Review status: criteria provided, single submitter. Criteria: Invitae Variant Classification Sherloc (09022015). Collection method: clinical testing. Allele origin: germline.

Ambry Genetics
Classification: Likely benign for Cardiovascular phenotype. Last evaluated: 2022-04-19. Review status: criteria provided, single submitter. Criteria: Ambry Variant Classification Scheme 2023. Collection method: clinical testing. Allele origin: germline.

Quest Diagnostics Nichols Institute San Juan Capistrano
Classification: Likely benign. Last evaluated: 2020-05-07. Review status: criteria provided, single submitter. Criteria: Quest Diagnostics criteria. Collection method: clinical testing. Allele origin: unknown.

NM_000384.3(APOB):c.5763A>G (p.Gly1921=)

Gene: APOB (apolipoprotein B; minus strand). Cytogenetic location: 2p24.1.
Variant type: single nucleotide variant.
Coding change: c.5763A>G on transcript NM_000384.3 (MANE Select); coding-DNA position 5763, A replaced by G.
Protein change: p.Gly1921=; no amino-acid change (glycine 1921 retained).
Molecular consequence: synonymous variant.
Genome position (GRCh38, 1-based): chr2:21,011,105, T>C on the plus strand (A>G on the coding strand, the complement: APOB is on the minus strand). VCF-style: chr2-21011105-T-C. GRCh37 (hg19) VCF-style: chr2-21233977-T-C.
Identifiers: ClinVar variation 334134 (VCV000334134.23), dbSNP rs141022509, ClinGen allele CA062470.